The following is an entry in ClinVar:

ClinVar aggregate classification (germline): Benign. Review status: criteria provided, multiple submitters, no conflicts (2 of 4 stars). 9 submissions from 9 submitters: Benign (7). 2 of the submissions do not count toward it. Last evaluated 2026-01-28.

Conditions:
Microcephaly 2, primary, autosomal recessive, with or without cortical malformations. Also called: WDR62 Primary Microcephaly; MICROCEPHALY 2, PRIMARY, AUTOSOMAL RECESSIVE, WITH CORTICAL MALFORMATIONS. Identifiers: Orphanet 2512, MedGen C1858535, MONDO:0011435, OMIM 604317.

Allele frequency attached by ClinVar (database versions not stated): TOPMed 0.03376; ESP Exome Variant Server 0.03653; 1000 Genomes Project 0.06110.
gnomAD v4.1: 62,375 of 1,461,698 alleles (4.3%); highest among the groups gnomAD compares: East Asian, 11%; 1,604 homozygotes.

Submissions (9):

Labcorp Genetics (formerly Invitae), Labcorp
Classification: Benign. Last evaluated: 2026-01-28. Review status: criteria provided, single submitter. Criteria: Invitae Variant Classification Sherloc (09022015). Collection method: clinical testing. Allele origin: germline.

Blueprint Genetics
Classification: Benign. Last evaluated: 2024-11-28. Review status: criteria provided, single submitter. Criteria: ACMG Guidelines, 2015. Collection method: clinical testing. Allele origin: germline.

Genome-Nilou Lab
Classification: Benign for Microcephaly 2, primary, autosomal recessive, with or without cortical malformations. Last evaluated: 2021-12-05. Review status: criteria provided, single submitter. Criteria: ACMG Guidelines, 2015. Collection method: clinical testing. Allele origin: germline. Affected: no.

Illumina Laboratory Services, Illumina
Classification: Benign for Microcephaly 2, primary, autosomal recessive, with or without cortical malformations. Last evaluated: 2018-01-13. Review status: criteria provided, single submitter. Criteria: ICSL Variant Classification Criteria 13 December 2019. Collection method: clinical testing. Allele origin: germline.
Comment: This variant was observed in the ICSL laboratory as part of a predisposition screen in an ostensibly healthy population. It had not been previously curated by ICSL or reported in the Human Gene Mutation Database (HGMD: prior to June 1st, 2018), and was therefore a candidate for classification through an automated scoring system. Utilizing variant allele frequency, disease prevalence and penetrance estimates, and inheritance mode, an automated score was calculated to assess if this variant is too frequent to cause the disease. Based on the score and internal cut-off values, a variant classified as benign is not then subjected to further curation. The score for this variant resulted in a classification of benign for this disease.

Genetic Services Laboratory, University of Chicago
Classification: Benign. Last evaluated: 2013-02-08. Review status: criteria provided, single submitter. Criteria: ACMG Guidelines, 2007. Collection method: clinical testing. Allele origin: germline. Inheritance: Autosomal recessive inheritance.

Breakthrough Genomics
Classification: Benign. Review status: criteria provided, single submitter. Criteria: ACMG Guidelines, 2015. Collection method: not provided. Allele origin: germline. Inheritance: Autosomal recessive inheritance. Affected: yes.

PreventionGenetics, part of Exact Sciences
Classification: Benign. Review status: criteria provided, single submitter. Criteria: ACMG Guidelines, 2015. Collection method: clinical testing. Allele origin: germline.

Clinical Genetics DNA and cytogenetics Diagnostics Lab, Erasmus MC, Erasmus Medical Center
Classification: Benign. Review status: no assertion criteria provided. Collection method: clinical testing. Allele origin: germline. Affected: yes. Study: VKGL Data-share Consensus. Not counted in ClinVar's aggregate classification.

Joint Genome Diagnostic Labs from Nijmegen and Maastricht, Radboudumc and MUMC+
Classification: Benign. Review status: no assertion criteria provided. Collection method: clinical testing. Allele origin: germline. Affected: yes. Study: VKGL Data-share Consensus. Not counted in ClinVar's aggregate classification.

NM_001083961.2(WDR62):c.1233+13C>T

Gene: WDR62 (WD repeat domain 62; plus strand). Cytogenetic location: 19q13.12.
Variant type: single nucleotide variant.
Coding change: c.1233+13C>T on transcript NM_001083961.2 (MANE Select); 13 bases into the intron after coding-DNA position 1233, C replaced by T.
Molecular consequence: intron variant.
Genome position (GRCh38, 1-based): chr19:36,073,544, C>T. VCF-style: chr19-36073544-C-T. GRCh37 (hg19) VCF-style: chr19-36564446-C-T.
Other names: c.1233+13C>T (NM_173636.5).
Identifiers: ClinVar variation 160245 (VCV000160245.26), dbSNP rs76130844, ClinGen allele CA173891.
Genomic context (GRCh38, chr19:36,073,544, plus strand): 5'-AAGGTGTGGTCAGAGCTCTTCCACAGCTCCTACGTTTGGAACGTGGAGGTGAGCCCCCCC[C>T]CCACCCCCTTGCCCCTGCTTGGCCTCTGCACAGTTCCCCACAGTTTGGGAACCCATTCAG-3'